The following is an entry in ClinVar:

ClinVar aggregate classification (germline): Uncertain significance (1 of 4 stars; one submission).

Submission:

Labcorp Genetics (formerly Invitae), Labcorp
Classification: Uncertain significance. Last evaluated: 2026-01-19. Review status: criteria provided, single submitter. Criteria: Invitae Variant Classification Sherloc (09022015). Collection method: clinical testing. Allele origin: germline.
Comment: This sequence change replaces leucine, which is neutral and non-polar, with proline, which is neutral and non-polar, at codon 155 of the COL7A1 protein (p.Leu155Pro). This variant is not present in population databases (gnomAD no frequency). This variant has not been reported in the literature in individuals affected with COL7A1-related conditions. Invitae Evidence Modeling of protein sequence and biophysical properties (such as structural, functional, and spatial information, amino acid conservation, physicochemical variation, residue mobility, and thermodynamic stability) indicates that this missense variant is not expected to disrupt COL7A1 protein function with a negative predictive value of 95%. In summary, the available evidence is currently insufficient to determine the role of this variant in disease. Therefore, it has been classified as a Variant of Uncertain Significance.

NM_000094.4(COL7A1):c.464T>C (p.Leu155Pro)

Gene: COL7A1 (collagen type VII alpha 1 chain; minus strand). Cytogenetic location: 3p21.31.
Variant type: single nucleotide variant.
Coding change: c.464T>C on transcript NM_000094.4 (MANE Select); coding-DNA position 464, T replaced by C.
Protein change: p.Leu155Pro; replaces leucine 155 with proline.
Molecular consequence: missense variant.
Genome position (GRCh38, 1-based): chr3:48,593,412, A>G on the plus strand (T>C on the coding strand, the complement: COL7A1 is on the minus strand). VCF-style: chr3-48593412-A-G. GRCh37 (hg19) VCF-style: chr3-48630845-A-G.
Other names: short protein forms L155P.
Identifiers: ClinVar variation 4808518 (VCV004808518.1).
Genomic context (GRCh38, chr3:48,593,412, plus strand): 5'-TTACCCACAGCAAATAGCTTGACCCCCTGCCCCTTCAGCCTTTGGGCAGCTGTGTCCACC[A>G]GGTCCTGGGACTTCCCGTCTGTGATCAGGATGCAGACCTGGGACAGGTGCAGGGGTCAAA-3'
Protein context (NP_000085.1, residues 145-165): ILITDGKSQD[Leu155Pro]VDTAAQRLKG